The following is an entry in ClinVar:

ClinVar aggregate classification (germline): Uncertain significance (1 of 4 stars; one submission).

Allele frequency attached by ClinVar (database versions not stated): TOPMed below 0.00001; gnomAD 0.00001.
gnomAD v4.1: 15 of 1,613,872 alleles (0.00093%); highest among the groups gnomAD compares: Non-Finnish European, 0.0013%; no homozygotes.

Submission:

Labcorp Genetics (formerly Invitae), Labcorp
Classification: Uncertain significance. Last evaluated: 2025-02-15. Review status: criteria provided, single submitter. Criteria: Invitae Variant Classification Sherloc (09022015). Collection method: clinical testing. Allele origin: germline.
Comment: This sequence change replaces alanine, which is neutral and non-polar, with proline, which is neutral and non-polar, at codon 200 of the TNFRSF11A protein (p.Ala200Pro). This variant is not present in population databases (gnomAD no frequency). This variant has not been reported in the literature in individuals affected with TNFRSF11A-related conditions. ClinVar contains an entry for this variant (Variation ID: 2893537). Invitae Evidence Modeling of protein sequence and biophysical properties (such as structural, functional, and spatial information, amino acid conservation, physicochemical variation, residue mobility, and thermodynamic stability) indicates that this missense variant is not expected to disrupt TNFRSF11A protein function with a negative predictive value of 80%. In summary, the available evidence is currently insufficient to determine the role of this variant in disease. Therefore, it has been classified as a Variant of Uncertain Significance.

NM_003839.4(TNFRSF11A):c.598G>C (p.Ala200Pro)

Gene: TNFRSF11A (TNF receptor superfamily member 11a; plus strand). Cytogenetic location: 18q21.33.
Variant type: single nucleotide variant.
Coding change: c.598G>C on transcript NM_003839.4 (MANE Select); coding-DNA position 598, G replaced by C.
Protein change: p.Ala200Pro; replaces alanine 200 with proline.
Molecular consequence: missense variant.
Genome position (GRCh38, 1-based): chr18:62,360,031, G>C. VCF-style: chr18-62360031-G-C. GRCh37 (hg19) VCF-style: chr18-60027264-G-C.
Other names: c.598G>C, p.Ala200Pro (NM_001270949.2, NM_001270950.2, NM_001270951.2); c.556G>C, p.Ala186Pro (NM_001278268.2); short protein forms A186P, A200P.
Identifiers: ClinVar variation 2893537 (VCV002893537.3), dbSNP rs1568485264, ClinGen allele CA402613789.